The following is an entry in ClinVar:

ClinVar aggregate classification (germline): Pathogenic (1 of 4 stars; one submission).

Submission:

Labcorp Genetics (formerly Invitae), Labcorp
Classification: Pathogenic. Last evaluated: 2022-02-17. Review status: criteria provided, single submitter. Criteria: Invitae Variant Classification Sherloc (09022015). Collection method: clinical testing. Allele origin: germline.
Comment: For these reasons, this variant has been classified as Pathogenic. This variant has not been reported in the literature in individuals affected with PHEX-related conditions. This variant is not present in population databases (gnomAD no frequency). This sequence change creates a premature translational stop signal (p.Glu58Asnfs*10) in the PHEX gene. It is expected to result in an absent or disrupted protein product. Loss-of-function variants in PHEX are known to be pathogenic (PMID: 9097956, 9106524, 19219621).

Literature cited by the submitters: PubMed 9097956; PubMed 9106524; PubMed 19219621.

NM_000444.6(PHEX):c.171del (p.Glu58fs)

Gene: PHEX (phosphate regulating endopeptidase X-linked; plus strand). Cytogenetic location: Xp22.11.
Variant type: Deletion.
Coding change: c.171del on transcript NM_000444.6 (MANE Select); coding-DNA position 171, one base deleted (A; older notation c.171delA).
Protein change: p.Glu58fs; shifts the reading frame from glutamic acid 58.
Molecular consequence: frameshift variant.
Genome position (GRCh38, 1-based): chrX:22,038,521, A deleted. VCF-style (leftmost placement, unchanged base first): chrX-22038520-CA-C. GRCh37 (hg19) VCF-style: chrX-22056638-CA-C.
Other names: c.171del, p.Glu58fs (NM_001282754.2); short protein forms E58fs.
Identifiers: ClinVar variation 2098143 (VCV002098143.4), dbSNP rs2519713569, ClinGen allele CA2580100463.
Genomic context (GRCh38, chrX:22,038,520, plus strand): 5'-TTTTTTCAGTGAGTCAAGGTCTCTTAAGTCTCCAAGCTAAACAGGAGTACTGCCTGAAGC[CA>C]GAATGCATCGAAGCGGGTAAGTCACAGTTTTCCATCCTGTGTCAAGTTATAATTATGGTA-3'